The following is an entry in ClinVar:

ClinVar aggregate classification (germline): Uncertain significance (1 of 4 stars; one submission).

Conditions:
Catecholaminergic polymorphic ventricular tachycardia 1. Also called: VENTRICULAR TACHYCARDIA, CATECHOLAMINERGIC POLYMORPHIC, 1, WITH OR WITHOUT ATRIAL DYSFUNCTION AND/OR DILATED CARDIOMYOPATHY; RYR2-Related Catecholaminergic Polymorphic Ventricular Tachycardia; VENTRICULAR TACHYCARDIA, STRESS-INDUCED POLYMORPHIC 1. Identifiers: Orphanet 3286, MedGen C1631597, MONDO:0011484, OMIM 604772.

Allele frequency attached by ClinVar (database versions not stated): gnomAD exomes below 0.00001.
gnomAD v4.1: 2 of 1,613,968 alleles (0.00012%); highest among the groups gnomAD compares: Non-Finnish European, 0.00017%; no homozygotes.

Submission:

Labcorp Genetics (formerly Invitae), Labcorp
Classification: Uncertain significance for Catecholaminergic polymorphic ventricular tachycardia 1. Last evaluated: 2017-10-22. Review status: criteria provided, single submitter. Criteria: Invitae Variant Classification Sherloc (09022015). Collection method: clinical testing. Allele origin: germline.
Comment: This sequence change replaces lysine with glutamic acid at codon 1097 of the RYR2 protein (p.Lys1097Glu). The lysine residue is highly conserved and there is a small physicochemical difference between lysine and glutamic acid. This variant is not present in population databases (ExAC no frequency). This variant has not been reported in the literature in individuals with RYR2-related disease. Algorithms developed to predict the effect of missense changes on protein structure and function do not agree on the potential impact of this missense change (SIFT: "Deleterious"; PolyPhen-2: "Benign"; Align-GVGD: "Class C55"). In summary, the available evidence is currently insufficient to determine the role of this variant in disease. Therefore, it has been classified as a Variant of Uncertain Significance.

NM_001035.3(RYR2):c.3289A>G (p.Lys1097Glu)

Gene: RYR2 (ryanodine receptor 2; plus strand). Cytogenetic location: 1q43.
Variant type: single nucleotide variant.
Coding change: c.3289A>G on transcript NM_001035.3 (MANE Select); coding-DNA position 3289, A replaced by G.
Protein change: p.Lys1097Glu; replaces lysine 1097 with glutamic acid.
Molecular consequence: missense variant.
Genome position (GRCh38, 1-based): chr1:237,566,641, A>G. VCF-style: chr1-237566641-A-G. GRCh37 (hg19) VCF-style: chr1-237729941-A-G.
Other names: c.3289A>G, p.Lys1097Glu (LRG_402t1); short protein forms K1097E.
Identifiers: ClinVar variation 532377 (VCV000532377.10), dbSNP rs1553504083, ClinGen allele CA345398150.